The following is an entry in ClinVar:

ClinVar aggregate classification (germline): Uncertain significance (0 of 4 stars; one submission).

Conditions:
SEMA3A-related disorder. Also called: SEMA3A-related condition.

gnomAD v4.1: 3 of 1,612,514 alleles (0.00019%); highest among the groups gnomAD compares: Admixed American, 0.005%; no homozygotes.

Submission:

PreventionGenetics, part of Exact Sciences
Classification: Uncertain significance for SEMA3A-related condition. Last evaluated: 2024-01-02. Review status: no assertion criteria provided. Collection method: clinical testing. Allele origin: germline.
Comment: The SEMA3A c.941T>C variant is predicted to result in the amino acid substitution p.Met314Thr. To our knowledge, this variant has not been reported in the literature. This variant is reported in 0.0057% of alleles in individuals of Latino descent in gnomAD. At this time, the clinical significance of this variant is uncertain due to the absence of conclusive functional and genetic evidence.

NM_006080.3(SEMA3A):c.941T>C (p.Met314Thr)

Gene: SEMA3A (semaphorin 3A; minus strand). Cytogenetic location: 7q21.11.
Variant type: single nucleotide variant.
Coding change: c.941T>C on transcript NM_006080.3 (MANE Select); coding-DNA position 941, T replaced by C.
Protein change: p.Met314Thr; replaces methionine 314 with threonine.
Molecular consequence: missense variant.
Genome position (GRCh38, 1-based): chr7:84,011,076, A>G on the plus strand (T>C on the coding strand, the complement: SEMA3A is on the minus strand). VCF-style: chr7-84011076-A-G. GRCh37 (hg19) VCF-style: chr7-83640392-A-G.
Other names: short protein forms M314T.
Identifiers: ClinVar variation 3349596 (VCV003349596.1).